The following is an entry in ClinVar:

NM_032638.5(GATA2):c.1090G>C (p.Ala364Pro)

Gene: GATA2 (GATA binding protein 2; minus strand). Cytogenetic location: 3q21.3.
Variant type: single nucleotide variant.
Coding change: c.1090G>C on transcript NM_032638.5 (MANE Select); coding-DNA position 1090, G replaced by C.
Protein change: p.Ala364Pro; replaces alanine 364 with proline.
Molecular consequence: missense variant.
Genome position (GRCh38, 1-based): chr3:128,481,872, C>G on the plus strand (G>C on the coding strand, the complement: GATA2 is on the minus strand). VCF-style: chr3-128481872-C-G. GRCh37 (hg19) VCF-style: chr3-128200715-C-G.
Other names: c.1090G>C, p.Ala364Pro (NM_001145661.2); c.1048G>C, p.Ala350Pro (NM_001145662.1); short protein forms A350P, A364P.
Identifiers: ClinVar variation 2061299 (VCV002061299.6), dbSNP rs766504293, ClinGen allele CA354413562.

ClinVar aggregate classification (germline): Uncertain significance. Review status: criteria provided, multiple submitters, no conflicts (2 of 4 stars). 3 submissions from 3 submitters: Uncertain significance (3). Last evaluated 2024-12-08.

Conditions:
Deafness-lymphedema-leukemia syndrome. Also called: Emberger syndrome; Lymphedema, primary, with myelodysplasia. Identifiers: Orphanet 3226, MedGen C3279664, MONDO:0013540, OMIM 614038.
Monocytopenia with susceptibility to infections. Also called: GATA2 DEFICIENCY; MONOCYTOPENIA AND MYCOBACTERIAL INFECTION SYNDROME; MONOCYTOPENIA WITH SUSCEPTIBILITY TO MYCOBACTERIAL, FUNGAL, AND PAPILLOMAVIRUS INFECTIONS AND MYELODYSPLASIA; COMBINED IMMUNODEFICIENCY WITH SUSCEPTIBILITY TO MYCOBACTERIAL, VIRAL, AND FUNGAL INFECTIONS; Dendritic cell, monocyte, B lymphocyte, and natural killer lymphocyte deficiency; IMMUNODEFICIENCY 21. Identifiers: Orphanet 228423, MedGen C3280030, MONDO:0013607, OMIM 614172.
Inborn genetic diseases. Identifiers: MedGen C0950123, MeSH D030342.

gnomAD v4.1: 1 of 1,614,074 alleles (0.000062%); no homozygotes.

Submissions (3):

Ambry Genetics
Classification: Uncertain significance for Inborn genetic diseases. Last evaluated: 2024-12-08. Review status: criteria provided, single submitter. Criteria: Ambry Variant Classification Scheme 2023. Collection method: clinical testing. Allele origin: germline.
Comment: The p.A364P variant (also known as c.1090G>C), located in coding exon 4 of the GATA2 gene, results from a G to C substitution at nucleotide position 1090. The alanine at codon 364 is replaced by proline, an amino acid with highly similar properties. This amino acid position is conserved. In addition, the in silico prediction for this alteration is inconclusive. Based on the available evidence, the clinical significance of this variant remains unclear.

Labcorp Genetics (formerly Invitae), Labcorp
Classification: Uncertain significance for Monocytopenia with susceptibility to infections; Deafness-lymphedema-leukemia syndrome. Last evaluated: 2023-07-29. Review status: criteria provided, single submitter. Criteria: Invitae Variant Classification Sherloc (09022015). Collection method: clinical testing. Allele origin: germline.
Comment: This sequence change replaces alanine, which is neutral and non-polar, with proline, which is neutral and non-polar, at codon 364 of the GATA2 protein (p.Ala364Pro). This variant is not present in population databases (gnomAD no frequency). In summary, the available evidence is currently insufficient to determine the role of this variant in disease. Therefore, it has been classified as a Variant of Uncertain Significance. Advanced modeling of protein sequence and biophysical properties (such as structural, functional, and spatial information, amino acid conservation, physicochemical variation, residue mobility, and thermodynamic stability) has been performed at Invitae for this missense variant, however the output from this modeling did not meet the statistical confidence thresholds required to predict the impact of this variant on GATA2 protein function. ClinVar contains an entry for this variant (Variation ID: 2061299). This variant has not been reported in the literature in individuals affected with GATA2-related conditions.

Blueprint Genetics
Classification: Uncertain significance. Last evaluated: 2020-11-23. Review status: criteria provided, single submitter. Criteria: ACMG Guidelines, 2015. Collection method: clinical testing. Allele origin: germline.